The following is an entry in ClinVar:

NM_001048174.2(MUTYH):c.1392+6A>G

Gene: MUTYH (mutY DNA glycosylase; minus strand). Cytogenetic location: 1p34.1.
Variant type: single nucleotide variant.
Coding change: c.1392+6A>G on transcript NM_001048174.2 (MANE Select); 6 bases into the intron after coding-DNA position 1392, A replaced by G.
Molecular consequence: intron variant.
Genome position (GRCh38, 1-based): chr1:45,331,176, T>C on the plus strand (A>G on the coding strand, the complement: MUTYH is on the minus strand). VCF-style: chr1-45331176-T-C. GRCh37 (hg19) VCF-style: chr1-45796848-T-C.
Other names: c.1047+6A>G (NM_001350651.2, NM_001350650.2); c.1116+6A>G (NM_001293192.2, NM_001293196.2); c.1392+6A>G (NM_001048171.2, NM_001048173.2, NM_001293195.2); c.1437+6A>G (NM_001293190.2); c.1467+6A>G (NM_012222.3); c.1476+6A>G (NM_001128425.2); c.1395+6A>G (NM_001048172.2); c.1425+6A>G (NM_001293191.2).
Identifiers: ClinVar variation 862423 (VCV000862423.15), dbSNP rs4660848, ClinGen allele CA056507.

ClinVar aggregate classification (germline): Uncertain significance. Review status: criteria provided, multiple submitters, no conflicts (2 of 4 stars). 3 submissions from 3 submitters: Uncertain significance (3). Last evaluated 2026-03-04.

Conditions:
Hereditary cancer-predisposing syndrome. Also called: Neoplastic Syndromes, Hereditary; Hereditary neoplastic syndrome; Tumor predisposition; Hereditary Cancer Syndrome. Identifiers: Orphanet 140162, MedGen C0027672, MeSH D009386, MONDO:0015356.
Familial adenomatous polyposis 2. Also called: MYH-associated polyposis; FAP type 2; MUTYH-related attenuated familial adenomatous polyposis; Adenomas, multiple colorectal; ADENOMAS, MULTIPLE COLORECTAL, AUTOSOMAL RECESSIVE; MUTYH Polyposis. Identifiers: Orphanet 220460, Orphanet 247798, MedGen C3272841, MONDO:0012041, OMIM 608456.

Allele frequency attached by ClinVar (database versions not stated): gnomAD exomes below 0.00001; TOPMed 0.00001; ExAC 0.00002.
gnomAD v4.1: 1 of 1,613,964 alleles (0.000062%); highest among the groups gnomAD compares: East Asian, 0.0022%; no homozygotes.

Submissions (3):

Ambry Genetics
Classification: Uncertain significance for Hereditary cancer-predisposing syndrome. Last evaluated: 2026-03-04. Review status: criteria provided, single submitter. Criteria: Ambry Variant Classification Scheme 2023. Collection method: clinical testing. Allele origin: germline.
Comment: The c.1476+6A>G intronic variant results from an A to G substitution 6 nucleotides after coding exon 14 in the MUTYH gene. This nucleotide position is well conserved in available vertebrate species. In silico splice site analysis predicts that this alteration will not have any significant effect on splicing. Based on the available evidence, the clinical significance of this variant remains unclear.

Labcorp Genetics (formerly Invitae), Labcorp
Classification: Uncertain significance for Familial adenomatous polyposis 2. Last evaluated: 2025-01-07. Review status: criteria provided, single submitter. Criteria: Invitae Variant Classification Sherloc (09022015). Collection method: clinical testing. Allele origin: germline.
Comment: This sequence change falls in intron 14 of the MUTYH gene. It does not directly change the encoded amino acid sequence of the MUTYH protein. It affects a nucleotide within the consensus splice site. This variant is present in population databases (rs4660848, gnomAD 0.006%). This variant has not been reported in the literature in individuals affected with MUTYH-related conditions. ClinVar contains an entry for this variant (Variation ID: 862423). Variants that disrupt the consensus splice site are a relatively common cause of aberrant splicing (PMID: 17576681, 9536098). Algorithms developed to predict the effect of sequence changes on RNA splicing suggest that this variant is not likely to affect RNA splicing. In summary, the available evidence is currently insufficient to determine the role of this variant in disease. Therefore, it has been classified as a Variant of Uncertain Significance.

Color Diagnostics, LLC DBA Color Health
Classification: Uncertain significance for Hereditary cancer-predisposing syndrome. Last evaluated: 2021-07-27. Review status: criteria provided, single submitter. Criteria: ACMG Guidelines, 2015. Collection method: clinical testing. Allele origin: germline.
Comment: This variant causes an A to G nucleotide substitution at the +6 position of intron 14 of the MUTYH gene. To our knowledge, functional studies have not been reported for this variant. This variant has not been reported in individuals affected with hereditary cancer in the literature. This variant has been identified in 1/251486 chromosomes in the general population by the Genome Aggregation Database (gnomAD). The available evidence is insufficient to determine the role of this variant in disease conclusively. Therefore, this variant is classified as a Variant of Uncertain Significance.

Literature cited by the submitters: PubMed 17576681 (cited by Labcorp Genetics (formerly Invitae), Labcorp); PubMed 9536098 (cited by Labcorp Genetics (formerly Invitae), Labcorp).